The following is an entry in ClinVar:

NM_000152.5(GAA):c.1824_1828dup (p.Ala610fs)

Gene: GAA (alpha glucosidase; plus strand). Cytogenetic location: 17q25.3.
Variant type: Duplication.
Coding change: c.1824_1828dup on transcript NM_000152.5 (MANE Select); coding-DNA positions 1824 to 1828, 5 bases duplicated (ATACG; older notation c.1824_1828dupATACG).
Protein change: p.Ala610fs; shifts the reading frame from alanine 610.
Molecular consequence: frameshift variant.
Genome position (GRCh38, 1-based): chr17:80,112,647-80,112,651, ATACG duplicated; duplicating any 5 consecutive bases within chr17:80,112,645-80,112,651 gives the same sequence; the c. name uses the placement nearest the transcript's 3' end. VCF-style (leftmost placement, unchanged base first): chr17-80112644-C-CCGATA. GRCh37 (hg19) VCF-style: chr17-78086443-C-CCGATA.
Other names: c.1824_1828dup (LRG_673t1); c.1824_1828dup, p.Ala610fs (NM_001079803.3, NM_001079804.3); c.1824_1828dup5 (NM_000152.3); short protein forms A610fs.
Identifiers: ClinVar variation 370866 (VCV000370866.8), dbSNP rs1057516826, ClinGen allele CA16041896.

ClinVar aggregate classification (germline): Pathogenic. Review status: reviewed by expert panel (3 of 4 stars). 3 submissions from 3 submitters: Pathogenic (1). 2 of the submissions do not count toward it. Last evaluated 2020-10-29.

Conditions:
Glycogen storage disease, type II (IOPD). Also called: GLYCOGENOSIS, GENERALIZED, CARDIAC FORM; Glucosidase acid-1,4-alpha deficiency; Pompe Disease; POMPE DISEASE, INFANTILE-ONSET; GSD II; Glycogen storage disease type 2. Identifiers: Orphanet 365, MedGen C0017921, MONDO:0009290, OMIM 232300.

Submissions (3):

ClinGen Lysosomal Storage Disorder Variant Curation Expert Panel
Classification: Pathogenic for Glycogen storage disease, type II. Last evaluated: 2020-10-29. Review status: reviewed by expert panel. Criteria: ClinGen LSD ACMG Specifications v1. Collection method: curation. Allele origin: germline. Inheritance: Autosomal recessive inheritance.
Comment: This variant, c.1824_1828dup (p.Ala610AspfsTer88), is a frameshift variant that is predicted to result in a premature termination codon, nonsense mediated decay, and lack of gene product. Therefore, PVS1 can be applied. The variant is absent in gnomAD v2.1.1, meeting PM2. A patient with infantile onset Pompe disease, meeting the ClinGen LSD VCEP's specifications for PP4 has been reported who is homozygous for the variant (PMID 24976573). This data meets PM3_Supporting. There is a ClinVar entry for this variant (Variation ID: 370866, 1 star review status) with one submitter classifying the variant as likely pathogenic. In summary, this variant meets the criteria to be classified as pathogenic for Pompe disease. ACMG/AMP criteria applied, as specified by the ClinGen LSD VCEP: PVS1, PM2, PM3_Supporting, PP4.

Genomenon, Inc
Classification: Pathogenic for Glycogen storage disease, type II. Last evaluated: 2026-07-01. Review status: criteria provided, single submitter. Criteria: Genomenon Sequence Variant Interpretation Standards - Updated. Collection method: curation. Allele origin: germline. Affected: yes. Not counted in ClinVar's aggregate classification.
Comment: GAA p.Ala610AspfsTer88 (c.1824_1828dup) is a frameshift variant that is predicted to introduce a premature termination codon and result in a truncated or absent protein product. This variant has been observed in at least one proband with a GAA-related disorder (PMID:24976573). It is absent or not present at a significant frequency in gnomAD. In conclusion, we classify GAA p.Ala610AspfsTer88 (c.1824_1828dup) as a pathogenic variant.

Counsyl
Classification: Likely pathogenic for Glycogen storage disease, type II. Last evaluated: 2016-05-03. Review status: no assertion criteria provided. Collection method: clinical testing. Allele origin: unknown. Not counted in ClinVar's aggregate classification.

Literature cited by the submitters: PubMed 24976573 (cited by 3 submitters).